The following is an entry in ClinVar:

ClinVar aggregate classification (germline): Pathogenic (1 of 4 stars; one submission).

Conditions:
Gorlin syndrome. Also called: Nevoid Basal Cell Carcinoma Syndrome; Basal cell nevus syndrome. Identifiers: Orphanet 377, MedGen C0004779, MONDO:0007187.

Submission:

Labcorp Genetics (formerly Invitae), Labcorp
Classification: Pathogenic for Gorlin syndrome. Last evaluated: 2020-08-15. Review status: criteria provided, single submitter. Criteria: Invitae Variant Classification Sherloc (09022015). Collection method: clinical testing. Allele origin: germline.
Comment: This sequence change creates a premature translational stop signal (p.Glu380*) in the PTCH1 gene. It is expected to result in an absent or disrupted protein product. For these reasons, this variant has been classified as Pathogenic. Loss-of-function variants in PTCH1 are known to be pathogenic (PMID: 16301862, 16419085). This variant has been observed in individual(s) with nevoid basal cell carcinoma syndrome (NBCCS) (PMID: 15712338, 28733979). ClinVar contains an entry for this variant (Variation ID: 862484). This variant is not present in population databases (ExAC no frequency).

Literature cited by the submitters: PubMed 16301862; PubMed 16419085; PubMed 15712338; PubMed 28733979.

NM_000264.5(PTCH1):c.1138G>T (p.Glu380Ter)

Gene: PTCH1 (patched 1; minus strand). Cytogenetic location: 9q22.32.
Variant type: single nucleotide variant.
Coding change: c.1138G>T on transcript NM_000264.5 (MANE Select); coding-DNA position 1138, G replaced by T.
Protein change: p.Glu380Ter; replaces glutamic acid 380 with a stop codon.
Molecular consequence: nonsense. On other transcripts: non-coding transcript variant (1).
Genome position (GRCh38, 1-based): chr9:95,479,077, C>A on the plus strand (G>T on the coding strand, the complement: PTCH1 is on the minus strand). VCF-style: chr9-95479077-C-A. GRCh37 (hg19) VCF-style: chr9-98241359-C-A.
Other names: c.940G>T, p.Glu314Ter (NM_001083602.3); c.1135G>T, p.Glu379Ter (NM_001083603.3); c.685G>T, p.Glu229Ter (NM_001083604.3, NM_001083605.3, NM_001083606.3 and 1 more transcripts); c.1138G>T, p.Glu380Ter (NM_001354918.2); short protein forms E379*, E380*, E314*, E229*.
Identifiers: ClinVar variation 862484 (VCV000862484.10), dbSNP rs772903899, ClinGen allele CA374119380.